The following is an entry in ClinVar:

ClinVar aggregate classification (germline): Uncertain significance (1 of 4 stars; one submission).

Submission:

Labcorp Genetics (formerly Invitae), Labcorp
Classification: Uncertain significance. Last evaluated: 2024-01-08. Review status: criteria provided, single submitter. Criteria: Invitae Variant Classification Sherloc (09022015). Collection method: clinical testing. Allele origin: germline.
Comment: This variant, c.2732_2737dup, results in the insertion of 2 amino acid(s) of the CACNA1B protein (p.Gly911_Pro912dup), but otherwise preserves the integrity of the reading frame. The frequency data for this variant in the population databases is considered unreliable, as metrics indicate insufficient coverage at this position in the gnomAD database. This variant has not been reported in the literature in individuals affected with CACNA1B-related conditions. ClinVar contains an entry for this variant (Variation ID: 2039034). In summary, the available evidence is currently insufficient to determine the role of this variant in disease. Therefore, it has been classified as a Variant of Uncertain Significance.

NM_000718.4(CACNA1B):c.2732_2737dup (p.Pro912_Glu913insGlyPro)

Gene: CACNA1B (calcium voltage-gated channel subunit alpha1 B; plus strand). Cytogenetic location: 9q34.3.
Variant type: Duplication.
Coding change: c.2732_2737dup on transcript NM_000718.4 (MANE Select); coding-DNA positions 2732 to 2737, 6 bases duplicated (GCCCCG; older notation c.2732_2737dupGCCCCG).
Protein change: p.Pro912_Glu913insGlyPro.
Molecular consequence: inframe insertion.
Genome position (GRCh38, 1-based): chr9:138,023,475-138,023,480, GCCCCG duplicated; duplicating any 6 consecutive bases within chr9:138,023,474-138,023,480 gives the same sequence; the c. name uses the placement nearest the transcript's 3' end. VCF-style (leftmost placement, unchanged base first): chr9-138023473-A-AGGCCCC. GRCh37 (hg19) VCF-style: chr9-140917925-A-AGGCCCC.
Other names: c.2732_2737dup, p.Pro912_Glu913insGlyPro (NM_001243812.2).
Identifiers: ClinVar variation 2039034 (VCV002039034.4), dbSNP rs1958876795, ClinGen allele CA1884788969.